The following is an entry in ClinVar:

NM_002181.4(IHH):c.1118G>A (p.Gly373Asp)

Gene: IHH (Indian hedgehog signaling molecule; minus strand). Cytogenetic location: 2q35.
Variant type: single nucleotide variant.
Coding change: c.1118G>A on transcript NM_002181.4 (MANE Select); coding-DNA position 1118, G replaced by A.
Protein change: p.Gly373Asp; replaces glycine 373 with aspartic acid.
Molecular consequence: missense variant.
Genome position (GRCh38, 1-based): chr2:219,055,325, C>T on the plus strand (G>A on the coding strand, the complement: IHH is on the minus strand). VCF-style: chr2-219055325-C-T. GRCh37 (hg19) VCF-style: chr2-219920047-C-T.
Other names: short protein forms G373D.
Identifiers: ClinVar variation 3022718 (VCV003022718.3), dbSNP rs764058706, ClinGen allele CA2116532.
Genomic context (GRCh38, chr2:219,055,325, plus strand): 5'-CGCCCCAGGCGGTAGAGCAGCTGGGGGTACCAATGCACACCCTCCCCCGGAGTCCAGCTG[C>T]CCCATGCCAAGCTGTGAAAGAGTCTCAGGGGCCAGAAGGCCAACTGAGCCAGGTGGTGGT-3'
Protein context (NP_002172.2, residues 363-383): PLRLFHSLAW[Gly373Asp]SWTPGEGVHW

ClinVar aggregate classification (germline): Uncertain significance (1 of 4 stars; one submission).

Allele frequency attached by ClinVar (database versions not stated): ExAC 0.00003.
gnomAD v4.1: 6 of 1,613,196 alleles (0.00037%); highest among the groups gnomAD compares: Admixed American, 0.0083%; no homozygotes.

Submission:

Labcorp Genetics (formerly Invitae), Labcorp
Classification: Uncertain significance. Last evaluated: 2026-01-22. Review status: criteria provided, single submitter. Criteria: Invitae Variant Classification Sherloc (09022015). Collection method: clinical testing. Allele origin: germline.
Comment: This sequence change replaces glycine, which is neutral and non-polar, with aspartic acid, which is acidic and polar, at codon 373 of the IHH protein (p.Gly373Asp). This variant is present in population databases (rs764058706, gnomAD 0.01%). This variant has not been reported in the literature in individuals affected with IHH-related conditions. ClinVar contains an entry for this variant (Variation ID: 3022718). Invitae Evidence Modeling of protein sequence and biophysical properties (such as structural, functional, and spatial information, amino acid conservation, physicochemical variation, residue mobility, and thermodynamic stability) indicates that this missense variant is not expected to disrupt IHH protein function with a negative predictive value of 80%. In summary, the available evidence is currently insufficient to determine the role of this variant in disease. Therefore, it has been classified as a Variant of Uncertain Significance.